The following is an entry in ClinVar:

ClinVar aggregate classification (germline): Pathogenic (1 of 4 stars; one submission).

Submission:

Labcorp Genetics (formerly Invitae), Labcorp
Classification: Pathogenic. Last evaluated: 2022-11-28. Review status: criteria provided, single submitter. Criteria: Invitae Variant Classification Sherloc (09022015). Collection method: clinical testing. Allele origin: germline.
Comment: This sequence change creates a premature translational stop signal (p.Gln1804Argfs*34) in the ZNF469 gene. While this is not anticipated to result in nonsense mediated decay, it is expected to disrupt the last 2122 amino acid(s) of the ZNF469 protein. This variant is not present in population databases (gnomAD no frequency). This variant has not been reported in the literature in individuals affected with ZNF469-related conditions. This variant disrupts a region of the ZNF469 protein in which other variant(s) (p.Arg3414Glyfs*59) have been determined to be pathogenic (PMID: 32671420). This suggests that this is a clinically significant region of the protein, and that variants that disrupt it are likely to be disease-causing. For these reasons, this variant has been classified as Pathogenic.

Literature cited by the submitters: PubMed 32671420.

NM_001367624.2(ZNF469):c.5494del (p.Gln1832fs)

Gene: ZNF469 (zinc finger protein 469; plus strand). Cytogenetic location: 16q24.2.
Variant type: Deletion.
Coding change: c.5494del on transcript NM_001367624.2 (MANE Select); coding-DNA position 5494, one base deleted (C; older notation c.5494delC).
Protein change: p.Gln1832fs; shifts the reading frame from glutamine 1832.
Molecular consequence: frameshift variant.
Genome position (GRCh38, 1-based): chr16:88,432,964, C deleted; the last of 3 consecutive C bases (chr16:88,432,962-88,432,964); deleting any one gives the same sequence. VCF-style (leftmost placement, unchanged base first): chr16-88432961-GC-G. GRCh37 (hg19) VCF-style: chr16-88499369-GC-G.
Other names: short protein forms Q1832fs.
Identifiers: ClinVar variation 2817084 (VCV002817084.3), dbSNP rs2507590620, ClinGen allele CA2739266946.